The following is an entry in ClinVar:

ClinVar aggregate classification (germline): Pathogenic (1 of 4 stars; one submission).

Conditions:
Neurofibromatosis, type 1 (NF1). Also called: Neurofibromatosis, type I; NEUROFIBROMATOSIS, TYPE I, SOMATIC; Peripheral type neurofibromatosis; VON RECKLINGHAUSEN DISEASE. Identifiers: Orphanet 636, MedGen C0027831, MONDO:0018975, OMIM 162200. Disease mechanism: loss of function.

Submission:

Labcorp Genetics (formerly Invitae), Labcorp
Classification: Pathogenic for Neurofibromatosis, type 1. Last evaluated: 2021-12-17. Review status: criteria provided, single submitter. Criteria: Invitae Variant Classification Sherloc (09022015). Collection method: clinical testing. Allele origin: germline.
Comment: This sequence change creates a premature translational stop signal (p.Thr958Asnfs*17) in the NF1 gene. It is expected to result in an absent or disrupted protein product. Loss-of-function variants in NF1 are known to be pathogenic (PMID: 10712197, 23913538). This variant is not present in population databases (gnomAD no frequency). This variant has not been reported in the literature in individuals affected with NF1-related conditions. For these reasons, this variant has been classified as Pathogenic.

Literature cited by the submitters: PubMed 10712197; PubMed 23913538.

NM_001042492.3(NF1):c.2872dup (p.Thr958fs)

Gene: NF1 (neurofibromin 1; plus strand). Cytogenetic location: 17q11.2.
Variant type: Duplication.
Coding change: c.2872dup on transcript NM_001042492.3 (MANE Select); coding-DNA position 2872, one base duplicated (A; older notation c.2872dupA).
Protein change: p.Thr958fs; shifts the reading frame from threonine 958.
Molecular consequence: frameshift variant.
Genome position (GRCh38, 1-based): chr17:31,229,856, A duplicated. VCF-style (leftmost placement, unchanged base first): chr17-31229855-T-TA. GRCh37 (hg19) VCF-style: chr17-29556873-T-TA.
Other names: c.2872dup, p.Thr958Asnfs (NM_000267.4); short protein forms T958fs.
Identifiers: ClinVar variation 2045124 (VCV002045124.4), dbSNP rs2508196565, ClinGen allele CA2580093412.
Genomic context (GRCh38, chr17:31,229,855, plus strand): 5'-CATTGATGGCAAATCATTAATGTATTTGTTCTTTCTTTAGGTTTTATTGACTGATACCAA[T>TA]ACTCAATTTGTAGAACAAACCATAGCTATAATGAAGAACTTGCTAGATAATCATACTGAA-3'